The following is an entry in ClinVar:

NM_005188.4(CBL):c.-9G>C

Gene: CBL (Cbl proto-oncogene; plus strand). Cytogenetic location: 11q23.3.
Variant type: single nucleotide variant.
Coding change: c.-9G>C on transcript NM_005188.4 (MANE Select); 9 bases upstream of the start codon, G replaced by C.
Molecular consequence: 5 prime UTR variant.
Genome position (GRCh38, 1-based): chr11:119,206,409, G>C. VCF-style: chr11-119206409-G-C. GRCh37 (hg19) VCF-style: chr11-119077119-G-C.
Identifiers: ClinVar variation 4990331 (VCV004990331.1).

ClinVar aggregate classification (germline): Likely benign (1 of 4 stars; one submission).

Conditions:
CBL-related disorder. Also called: NOONAN SYNDROME-LIKE DISORDER WITHOUT JUVENILE MYELOMONOCYTIC LEUKEMIA; CBL MUTATION-ASSOCIATED SYNDROME; CBL SYNDROME. Identifiers: Orphanet 363972, MedGen C3150803, MONDO:0013308, OMIM 613563.

gnomAD v4.1: 16 of 1,548,662 alleles (0.001%); highest among the groups gnomAD compares: Non-Finnish European, 0.0014%; no homozygotes.

Submission:

PreventionGenetics, part of Exact Sciences
Classification: Likely benign for CBL-related condition. Last evaluated: 2025-09-08. Review status: criteria provided, single submitter. Criteria: ACMG Guidelines, 2015. Collection method: clinical testing. Allele origin: germline.
Comment: This variant is classified as likely benign based on ACMG/AMP sequence variant interpretation guidelines (Richards et al. 2015 PMID: 25741868, with internal and published modifications).